The following is an entry in ClinVar:

ClinVar aggregate classification (germline): Pathogenic (1 of 4 stars; one submission).

Conditions:
Ehlers-Danlos syndrome, dermatosparaxis type. Also called: EDS VIIC; Dermatosparaxis; Ehlers-Danlos syndrome, type VII, autosomal recessive. Identifiers: Orphanet 1901, MedGen C2700425, MONDO:0009161, OMIM 225410.

Submission:

Myriad Genetics, Inc.
Classification: Pathogenic for Ehlers-Danlos syndrome, dermatosparaxis type. Last evaluated: 2026-08-28. Review status: criteria provided, single submitter. Criteria: Myriad Autosomal Dominant, Autosomal Recessive and X-Linked Classification Criteria (2023). Collection method: clinical testing. Allele origin: unknown.
Comment: NM_014244.4(ADAMTS2):c.32_35delTGCT(L11Pfs*153) is expected to be pathogenic in the context of Ehlers-Danlos syndrome, ADAMTS2-related. This variant is predicted to lead to an abnormal or absent protein product due to the creation of a premature termination codon in ADAMTS2, a gene where loss-of-function variants are known to be pathogenic. Please note: this variant was assessed in the context of healthy population screening.

NM_014244.5(ADAMTS2):c.32_35del (p.Leu11fs)

Gene: ADAMTS2 (ADAM metallopeptidase with thrombospondin type 1 motif 2; minus strand). Cytogenetic location: 5q35.3.
Variant type: Deletion.
Coding change: c.32_35del on transcript NM_014244.5 (MANE Select); coding-DNA positions 32 to 35, 4 bases deleted (TGCT; older notation c.32_35delTGCT).
Protein change: p.Leu11fs; shifts the reading frame from leucine 11.
Molecular consequence: frameshift variant.
Genome position (GRCh38, 1-based): chr5:179,345,294-179,345,297, AGCA deleted on the plus strand (TGCT on the coding strand, the reverse complement: ADAMTS2 is on the minus strand). VCF-style (leftmost placement, unchanged base first): chr5-179345293-GAGCA-G. GRCh37 (hg19) VCF-style: chr5-178772294-GAGCA-G.
Other names: c.32_35del, p.Leu11fs (NM_021599.4); short protein forms L11fs.
Identifiers: ClinVar variation 5016289 (VCV005016289.1).